The following is an entry in ClinVar:

ClinVar aggregate classification (germline): Uncertain significance (1 of 4 stars; one submission).

gnomAD v4.1: 1 of 1,568,314 alleles (0.000064%); highest among the groups gnomAD compares: Non-Finnish European, 0.000086%; no homozygotes.

Submission:

Labcorp Genetics (formerly Invitae), Labcorp
Classification: Uncertain significance. Last evaluated: 2024-03-09. Review status: criteria provided, single submitter. Criteria: Invitae Variant Classification Sherloc (09022015). Collection method: clinical testing. Allele origin: germline.
Comment: This sequence change replaces alanine, which is neutral and non-polar, with glutamic acid, which is acidic and polar, at codon 670 of the MAGEL2 protein (p.Ala670Glu). This variant is not present in population databases (gnomAD no frequency). This variant has not been reported in the literature in individuals affected with MAGEL2-related conditions. Advanced modeling of protein sequence and biophysical properties (such as structural, functional, and spatial information, amino acid conservation, physicochemical variation, residue mobility, and thermodynamic stability) performed at Invitae indicates that this missense variant is not expected to disrupt MAGEL2 protein function with a negative predictive value of 80%. In summary, the available evidence is currently insufficient to determine the role of this variant in disease. Therefore, it has been classified as a Variant of Uncertain Significance.

NM_019066.5(MAGEL2):c.2009C>A (p.Ala670Glu)

Gene: MAGEL2 (MAGE family member L2; minus strand). Cytogenetic location: 15q11.2.
Variant type: single nucleotide variant.
Coding change: c.2009C>A on transcript NM_019066.5 (MANE Select); coding-DNA position 2009, C replaced by A.
Protein change: p.Ala670Glu; replaces alanine 670 with glutamic acid.
Molecular consequence: missense variant.
Genome position (GRCh38, 1-based): chr15:23,645,734, G>T on the plus strand (C>A on the coding strand, the complement: MAGEL2 is on the minus strand). VCF-style: chr15-23645734-G-T. GRCh37 (hg19) VCF-style: chr15-23890881-G-T.
Other names: short protein forms A670E.
Identifiers: ClinVar variation 3645233 (VCV003645233.2).
Genomic context (GRCh38, chr15:23,645,734, plus strand): 5'-GGCGGTGCCTGCCAGGAAGGCTGGAGCGGCAGTGTGGGCACCTCCGCTTGCGGACCCGAT[G>T]CCTGGGCCTGCTGGGGGGGTAGCTGGATTTGCACGGCTTTTTGGGAGGGCGGGGCTCCCT-3'
Protein context (NP_061939.3, residues 660-680): QIQLPPQQAQ[Ala670Glu]SGPQAEVPTL